The following is an entry in ClinVar:

ClinVar aggregate classification (germline): Uncertain significance (1 of 4 stars; one submission).

Conditions:
Cardiomyopathy (CMYO). Also called: Cardiomyopathies. Identifiers: Orphanet 167848, MedGen C0878544, MONDO:0004994, HP:0001638. Inheritance: Various modes of inheritance.

Submission:

Color Diagnostics, LLC DBA Color Health
Classification: Uncertain significance for Cardiomyopathy. Last evaluated: 2025-07-02. Review status: criteria provided, single submitter. Criteria: ACMG Guidelines, 2015. Collection method: clinical testing. Allele origin: germline.
Comment: This variant deletes fourteen nucleotides and inserts one nucleotide spanning exon 75 and intron 75 of the RYR2 gene. To our knowledge, functional studies have not been reported for this variant. This variant has not been reported in individuals affected with RYR2-related disorders in the literature. This variant has not been identified in the general population by the Genome Aggregation Database (gnomAD). The available evidence is insufficient to determine the role of this variant in disease conclusively. Therefore, this variant is classified as a Variant of Uncertain Significance.

NM_001035.3(RYR2):c.10718_10725+6delinsG

Gene: RYR2 (ryanodine receptor 2; plus strand). Cytogenetic location: 1q43.
Variant type: Indel.
Coding change: c.10718_10725+6delinsG on transcript NM_001035.3 (MANE Select); coding-DNA position 10718 through 6 bases into the intron after coding-DNA position 10725, ACTGTCTGGGAAGT replaced by G.
Molecular consequence: splice donor variant.
Genome position (GRCh38, 1-based): chr1:237,726,301-237,726,314, ACTGTCTGGGAAGT replaced by G. VCF-style: chr1-237726301-ACTGTCTGGGAAGT-G. GRCh37 (hg19) VCF-style: chr1-237889601-ACTGTCTGGGAAGT-G.
Identifiers: ClinVar variation 4758589 (VCV004758589.1).